The following is an entry in ClinVar:

ClinVar aggregate classification (germline): Pathogenic (1 of 4 stars; one submission).

Conditions:
Joubert syndrome. Also called: CEREBELLOPARENCHYMAL DISORDER IV; JOUBERT-BOLTSHAUSER SYNDROME; Familial aplasia of the vermis. Identifiers: Orphanet 475, MedGen C5979921, MONDO:0018772.
Nephronophthisis. Also called: Juvenile Nephronophthisis. Identifiers: Orphanet 655, MedGen C0687120, MONDO:0019005, HP:0000090.
Meckel-Gruber syndrome. Also called: DYSENCEPHALIA SPLANCHNOCYSTICA; GRUBER SYNDROME; Dysencephalia splachnocystica. Identifiers: Orphanet 564, MedGen C0265215, MONDO:0018921.

Submission:

Labcorp Genetics (formerly Invitae), Labcorp
Classification: Pathogenic for Joubert syndrome; Meckel-Gruber syndrome; Nephronophthisis. Last evaluated: 2022-12-23. Review status: criteria provided, single submitter. Criteria: Invitae Variant Classification Sherloc (09022015). Collection method: clinical testing. Allele origin: germline.
Comment: This variant is not present in population databases (gnomAD no frequency). For these reasons, this variant has been classified as Pathogenic. This variant has not been reported in the literature in individuals affected with CEP290-related conditions. This sequence change creates a premature translational stop signal (p.Ser1639*) in the CEP290 gene. It is expected to result in an absent or disrupted protein product. Loss-of-function variants in CEP290 are known to be pathogenic (PMID: 16909394, 17345604, 20690115).

Literature cited by the submitters: PubMed 16909394; PubMed 17345604; PubMed 20690115.

NM_025114.4(CEP290):c.4916C>A (p.Ser1639Ter)

Gene: CEP290 (centrosomal protein 290; minus strand). Cytogenetic location: 12q21.32.
Variant type: single nucleotide variant.
Coding change: c.4916C>A on transcript NM_025114.4 (MANE Select); coding-DNA position 4916, C replaced by A.
Protein change: p.Ser1639Ter; replaces serine 1639 with a stop codon.
Molecular consequence: nonsense.
Genome position (GRCh38, 1-based): chr12:88,083,127, G>T on the plus strand (C>A on the coding strand, the complement: CEP290 is on the minus strand). VCF-style: chr12-88083127-G-T. GRCh37 (hg19) VCF-style: chr12-88476904-G-T.
Other names: short protein forms S1639*.
Identifiers: ClinVar variation 2942633 (VCV002942633.3), dbSNP rs2499958316, ClinGen allele CA385992862.
Genomic context (GRCh38, chr12:88,083,127, plus strand): 5'-TCAGTGATTTCTCTTTGTCTCTCCAAATCTTGTGATACTTTCTTTAGTTTGACCAAGAGT[G>T]AGGAAAGAGAGTCATCTTGTTCTGCTACTGTCTGTTCCATCTCAGCCAGACGAATAAAAT-3'